The following is an entry in ClinVar:

ClinVar aggregate classification (germline): Benign/Likely benign. Review status: criteria provided, multiple submitters, no conflicts (2 of 4 stars). 3 submissions from 3 submitters: Benign (1); Likely benign (2). Last evaluated 2024-10-14.

Conditions:
Hereditary cancer-predisposing syndrome. Also called: Hereditary Cancer Syndrome; Hereditary neoplastic syndrome; Neoplastic Syndromes, Hereditary; Tumor predisposition. Identifiers: Orphanet 140162, MedGen C0027672, MeSH D009386, MONDO:0015356.
Hereditary diffuse gastric adenocarcinoma (HDGC). Also called: DIFFUSE GASTRIC AND LOBULAR BREAST CANCER SYNDROME. Identifiers: Orphanet 26106, MedGen C1708349, MONDO:0007648, OMIM 137215.

Submissions (3):

Myriad Genetics, Inc.
Classification: Benign for Hereditary diffuse gastric adenocarcinoma. Last evaluated: 2024-10-14. Review status: criteria provided, single submitter. Criteria: Myriad Autosomal Dominant, Autosomal Recessive and X-Linked Classification Criteria (2023). Collection method: clinical testing. Allele origin: unknown.
Comment: This variant is considered benign. This variant is a silent/synonymous amino acid change and it is not expected to impact splicing.

Ambry Genetics
Classification: Likely benign for Hereditary cancer-predisposing syndrome. Last evaluated: 2023-03-03. Review status: criteria provided, single submitter. Criteria: Ambry Variant Classification Scheme 2023. Collection method: clinical testing. Allele origin: germline.

Labcorp Genetics (formerly Invitae), Labcorp
Classification: Likely benign. Last evaluated: 2019-05-11. Review status: criteria provided, single submitter. Criteria: Invitae Variant Classification Sherloc (09022015). Collection method: clinical testing. Allele origin: germline.

NM_001903.5(CTNNA1):c.2043A>G (p.Lys681=)

Gene: CTNNA1 (catenin alpha 1; plus strand). Cytogenetic location: 5q31.2.
Variant type: single nucleotide variant.
Coding change: c.2043A>G on transcript NM_001903.5 (MANE Select); coding-DNA position 2043, A replaced by G.
Protein change: p.Lys681=; no amino-acid change (lysine 681 retained).
Molecular consequence: synonymous variant.
Genome position (GRCh38, 1-based): chr5:138,930,505, A>G. VCF-style: chr5-138930505-A-G. GRCh37 (hg19) VCF-style: chr5-138266194-A-G.
Other names: c.2043A>G, p.Lys681= (NM_001290307.3, NM_001323982.2, NM_001323983.1 and 2 more transcripts); c.1734A>G, p.Lys578= (NM_001290309.3); c.1674A>G, p.Lys558= (NM_001290310.3); c.933A>G, p.Lys311= (NM_001290312.1, NM_001323987.1, NM_001323988.1 and 17 more transcripts); c.1950A>G, p.Lys650= (NM_001323986.2); c.2043A>G (NM_001903.2); c.594A>G, p.Lys198= (NM_001324006.1, NM_001324007.1, NM_001324008.1 and 2 more transcripts); c.840A>G, p.Lys280= (NM_001324011.1); and 1 more.
Identifiers: ClinVar variation 1152950 (VCV001152950.11), dbSNP rs2150334035, ClinGen allele CA446597819.